The following is an entry in ClinVar:

NM_014159.7(SETD2):c.6121G>A (p.Gly2041Arg)

Gene: SETD2 (SET domain containing 2, histone lysine methyltransferase; minus strand). Cytogenetic location: 3p21.31.
Variant type: single nucleotide variant.
Coding change: c.6121G>A on transcript NM_014159.7 (MANE Select); coding-DNA position 6121, G replaced by A.
Protein change: p.Gly2041Arg; replaces glycine 2041 with arginine.
Molecular consequence: missense variant. On other transcripts: non-coding transcript variant (1).
Genome position (GRCh38, 1-based): chr3:47,062,335, C>T on the plus strand (G>A on the coding strand, the complement: SETD2 is on the minus strand). VCF-style: chr3-47062335-C-T. GRCh37 (hg19) VCF-style: chr3-47103825-C-T.
Other names: c.5989G>A, p.Gly1997Arg (NM_001349370.3); short protein forms G1997R, G2041R.
Identifiers: ClinVar variation 836242 (VCV000836242.7), dbSNP rs2040370171, ClinGen allele CA352525271.
Genomic context (GRCh38, chr3:47,062,335, plus strand): 5'-TTGACCTATTAGGAGTCTTCGGGGCAGGTGTTTGATCTCTGAAGCCAACAGCATCCCTTC[C>T]TCGTTCAGTTGCTAAGGGAAAAGGGTGGTTTGTTTGTTTTTTTTTTTTTTAAGTTTATTT-3'
Protein context (NP_054878.5, residues 2031-2051): TEKENTTTER[Gly2041Arg]RDAVGFRDQT

ClinVar aggregate classification (germline): Conflicting classifications of pathogenicity. Review status: criteria provided, conflicting classifications (1 of 4 stars). 2 submissions from 2 submitters: Uncertain significance (1); Likely benign (1). Last evaluated 2025-04-07.

Conditions:
Luscan-Lumish syndrome. Identifiers: Orphanet 597738, MedGen C4085873, MONDO:0014791, OMIM 616831.

Submissions (2):

GeneDx
Classification: Uncertain significance. Last evaluated: 2025-04-07. Review status: criteria provided, single submitter. Criteria: GeneDx Variant Classification Process June 2021. Collection method: clinical testing. Allele origin: germline. Affected: yes.
Comment: Not observed at significant frequency in large population cohorts (gnomAD); In silico analysis indicates that this missense variant does not alter protein structure/function; Has not been previously published as pathogenic or benign to our knowledge

Labcorp Genetics (formerly Invitae), Labcorp
Classification: Likely benign for Luscan-Lumish syndrome. Last evaluated: 2022-06-04. Review status: criteria provided, single submitter. Criteria: Invitae Variant Classification Sherloc (09022015). Collection method: clinical testing. Allele origin: germline.